The following is an entry in ClinVar:

NM_207361.6(FREM2):c.7590C>T (p.Gly2530=)

Gene: FREM2 (FRAS1 related extracellular matrix 2; plus strand). Cytogenetic location: 13q13.3.
Variant type: single nucleotide variant.
Coding change: c.7590C>T on transcript NM_207361.6 (MANE Select); coding-DNA position 7590, C replaced by T.
Protein change: p.Gly2530=; no amino-acid change (glycine 2530 retained).
Molecular consequence: synonymous variant.
Genome position (GRCh38, 1-based): chr13:38,861,501, C>T. VCF-style: chr13-38861501-C-T. GRCh37 (hg19) VCF-style: chr13-39435638-C-T.
Identifiers: ClinVar variation 312018 (VCV000312018.18), dbSNP rs200338297, ClinGen allele CA6955916.
Genomic context (GRCh38, chr13:38,861,501, plus strand): 5'-GCCCCGTGTACCTGGGGTTGTTGGAGCAGAGCCGTTCTCAGCTAAATTGCGCTACACAGG[C>T]CCTGAGGATGCAGACTACACAAACCTTATCAAGCTCACTGTCACAATGCCACACATAGAT-3'
Protein context (NP_997244.4, residues 2520-2540): EPFSAKLRYT[Gly2530=]PEDADYTNLI

ClinVar aggregate classification (germline): Conflicting classifications of pathogenicity. Review status: criteria provided, conflicting classifications (1 of 4 stars). 5 submissions from 5 submitters: Uncertain significance (1); Likely benign (2). 2 of the submissions do not count toward it. Last evaluated 2026-01-26.

Conditions:
Fraser syndrome 2 (FRASRS2). Identifiers: MedGen C4540036, MONDO:0054738, OMIM 617666.

Allele frequency attached by ClinVar (database versions not stated): 1000 Genomes Project 0.00060; ESP Exome Variant Server 0.00069; gnomAD 0.00079 and 0.00083; TOPMed 0.00082; gnomAD exomes 0.00086; ExAC 0.00093; 1000 Genomes Project 30x 0.00094.
gnomAD v4.1: 1,697 of 1,613,514 alleles (0.11%); highest among the groups gnomAD compares: South Asian, 0.14%; 2 homozygotes.

Submissions (5):

Labcorp Genetics (formerly Invitae), Labcorp
Classification: Likely benign. Last evaluated: 2026-01-26. Review status: criteria provided, single submitter. Criteria: Invitae Variant Classification Sherloc (09022015). Collection method: clinical testing. Allele origin: germline.

CeGaT Center for Human Genetics Tuebingen
Classification: Likely benign. Last evaluated: 2026-01-01. Review status: criteria provided, single submitter. Criteria: CeGaT Center For Human Genetics Tuebingen Variant Classification Criteria Version 2. Collection method: clinical testing. Allele origin: germline. Affected: yes. Observed: 1 variant allele.
Comment: FREM2: BP4, BP7

Illumina Laboratory Services, Illumina
Classification: Uncertain significance for Fraser syndrome 2. Last evaluated: 2018-01-13. Review status: criteria provided, single submitter. Criteria: ICSL Variant Classification Criteria 13 December 2019. Collection method: clinical testing. Allele origin: germline.

Clinical Genetics DNA and cytogenetics Diagnostics Lab, Erasmus MC, Erasmus Medical Center
Classification: Benign. Review status: no assertion criteria provided. Collection method: clinical testing. Allele origin: germline. Affected: yes. Study: VKGL Data-share Consensus. Not counted in ClinVar's aggregate classification.

Genome Diagnostics Laboratory, University Medical Center Utrecht
Classification: Benign. Review status: no assertion criteria provided. Collection method: clinical testing. Allele origin: germline. Affected: yes. Study: VKGL Data-share Consensus. Not counted in ClinVar's aggregate classification.